The following is an entry in ClinVar:

ClinVar aggregate classification (germline): Uncertain significance (1 of 4 stars; one submission).

Conditions:
Inborn genetic diseases. Identifiers: MedGen C0950123, MeSH D030342.

Submission:

Ambry Genetics
Classification: Uncertain significance for Inborn genetic diseases. Last evaluated: 2025-10-25. Review status: criteria provided, single submitter. Criteria: Ambry Variant Classification Scheme 2023. Collection method: clinical testing. Allele origin: germline.
Comment: The p.L781W variant (also known as c.2342T>G), located in coding exon 12 of the BMPR2 gene, results from a T to G substitution at nucleotide position 2342. The leucine at codon 781 is replaced by tryptophan, an amino acid with similar properties. This amino acid position is conserved. In addition, this alteration is predicted to be deleterious by in silico analysis. Based on the available evidence, the clinical significance of this variant remains unclear.

NM_001204.7(BMPR2):c.2342T>G (p.Leu781Trp)

Gene: BMPR2 (bone morphogenetic protein receptor type 2; plus strand). Cytogenetic location: 2q33.2.
Variant type: single nucleotide variant.
Coding change: c.2342T>G on transcript NM_001204.7 (MANE Select); coding-DNA position 2342, T replaced by G.
Protein change: p.Leu781Trp; replaces leucine 781 with tryptophan.
Molecular consequence: missense variant.
Genome position (GRCh38, 1-based): chr2:202,556,007, T>G. VCF-style: chr2-202556007-T-G. GRCh37 (hg19) VCF-style: chr2-203420730-T-G.
Other names: short protein forms L781W.
Identifiers: ClinVar variation 4597487 (VCV004597487.1).